The following is an entry in ClinVar:

ClinVar aggregate classification (germline): Uncertain significance (1 of 4 stars; one submission).

Submission:

Labcorp Genetics (formerly Invitae), Labcorp
Classification: Uncertain significance. Last evaluated: 2023-07-14. Review status: criteria provided, single submitter. Criteria: Invitae Variant Classification Sherloc (09022015). Collection method: clinical testing. Allele origin: germline.
Comment: This variant has not been reported in the literature in individuals affected with AP3B2-related conditions. This variant is not present in population databases (gnomAD no frequency). This sequence change replaces aspartic acid, which is acidic and polar, with histidine, which is basic and polar, at codon 810 of the AP3B2 protein (p.Asp810His). An algorithm developed to predict the effect of missense changes on protein structure and function (PolyPhen-2) suggests that this variant is likely to be disruptive. In summary, the available evidence is currently insufficient to determine the role of this variant in disease. Therefore, it has been classified as a Variant of Uncertain Significance.

NM_001278512.2(AP3B2):c.2485G>C (p.Asp829His)

Genes: AP3B2 (adaptor related protein complex 3 subunit beta 2; minus strand), CPEB1-AS1 (CPEB1 antisense RNA 1; plus strand). Cytogenetic location: 15q25.2.
Variant type: single nucleotide variant.
Coding change: c.2485G>C on transcript NM_001278512.2 (MANE Select); coding-DNA position 2485, G replaced by C.
Protein change: p.Asp829His; replaces aspartic acid 829 with histidine.
Molecular consequence: missense variant.
Genome position (GRCh38, 1-based): chr15:82,663,572, C>G on the plus strand (G>C on the coding strand, the complement: AP3B2 is on the minus strand). VCF-style: chr15-82663572-C-G. GRCh37 (hg19) VCF-style: chr15-83332324-C-G.
Other names: c.2332G>C, p.Asp778His (NM_001278511.2); c.2428G>C, p.Asp810His (NM_004644.5); short protein forms D810H, D778H, D829H.
Identifiers: ClinVar variation 2788663 (VCV002788663.3), dbSNP rs752867810, ClinGen allele CA393310089.